The following is an entry in ClinVar:

ClinVar aggregate classification (germline): Uncertain significance (1 of 4 stars; one submission).

Submission:

GeneDx
Classification: Uncertain significance. Last evaluated: 2022-03-22. Review status: criteria provided, single submitter. Criteria: GeneDx Variant Classification Process June 2021. Collection method: clinical testing. Allele origin: germline. Affected: yes.
Comment: Not observed at significant frequency in large population cohorts (gnomAD); In silico analysis supports that this missense variant does not alter protein structure/function; Has not been previously published as pathogenic or benign to our knowledge

NM_001349338.3(FOXP1):c.1379A>G (p.Lys460Arg)

Gene: FOXP1 (forkhead box P1; minus strand). Cytogenetic location: 3p13.
Variant type: single nucleotide variant.
Coding change: c.1379A>G on transcript NM_001349338.3 (MANE Select); coding-DNA position 1379, A replaced by G.
Protein change: p.Lys460Arg; replaces lysine 460 with arginine.
Molecular consequence: missense variant. On other transcripts: non-coding transcript variant (2).
Genome position (GRCh38, 1-based): chr3:70,977,692, T>C on the plus strand (A>G on the coding strand, the complement: FOXP1 is on the minus strand). VCF-style: chr3-70977692-T-C. GRCh37 (hg19) VCF-style: chr3-71026843-T-C.
Other names: c.1376A>G, p.Lys459Arg (NM_001244808.3, NM_001349341.3); c.1379A>G, p.Lys460Arg (NM_001244810.2, NM_001244814.3, NM_001244816.2 and 2 more transcripts); c.1151A>G, p.Lys384Arg (NM_001244812.3); c.1079A>G, p.Lys360Arg (NM_001244813.3, NM_001244815.2, NM_001349342.3); c.1076A>G, p.Lys359Arg (NM_001349337.2, NM_001349343.3, NM_001349344.3 and 1 more transcripts); short protein forms K359R, K360R, K384R, K459R, K460R.
Identifiers: ClinVar variation 1676405 (VCV001676405.2), dbSNP rs2107310819, ClinGen allele CA353493301.
Genomic context (GRCh38, chr3:70,977,692, plus strand): 5'-TATTTACTTACCTGCCTAATTAAAGATGCATATGTAAATGGTGGTCTAACTTCTGCGTTC[T>C]TATAAAATTCTTGGTTCTGCGCAATATCTGCTGAATAAGAATCATTGTCCTATTAATTAT-3'
Protein context (NP_001336267.1, residues 450-470): ADIAQNQEFY[Lys460Arg]NAEVRPPFTY